The following is an entry in ClinVar:

ClinVar aggregate classification (germline): Pathogenic (1 of 4 stars; one submission).

Conditions:
Progressive sclerosing poliodystrophy (MTDPS4A). Also called: ALPERS PROGRESSIVE INFANTILE POLIODYSTROPHY; NEURONAL DEGENERATION OF CHILDHOOD WITH LIVER DISEASE, PROGRESSIVE; Mitochondrial DNA Depletion Syndrome 4A; Alpers-Huttenlocher Syndrome (AHS); Alpers Syndrome; ALPERS DIFFUSE DEGENERATION OF CEREBRAL GRAY MATTER WITH HEPATIC CIRRHOSIS. Identifiers: Orphanet 726, MedGen C0205710, MONDO:0008758, OMIM 203700.

Submission:

Labcorp Genetics (formerly Invitae), Labcorp
Classification: Pathogenic for Progressive sclerosing poliodystrophy. Last evaluated: 2022-11-02. Review status: criteria provided, single submitter. Criteria: Invitae Variant Classification Sherloc (09022015). Collection method: clinical testing. Allele origin: unknown.
Comment: For these reasons, this variant has been classified as Pathogenic. This variant has not been reported in the literature in individuals affected with POLG-related conditions. This variant is a gross deletion of the genomic region encompassing exon(s) 2-22 of the POLG gene, which includes the initiator codon. This deletion extends beyond the assayed region for this gene and therefore may encompass additional genes. It is expected to result in an absent or disrupted protein product. Loss-of-function variants in POLG are known to be pathogenic (PMID: 18546365).

Literature cited by the submitters: PubMed 18546365.

NC_000015.9:g.(?_89860587)_(89876985_?)del

Gene: POLG (DNA polymerase gamma, catalytic subunit; minus strand). Cytogenetic location: 15q26.1.
Variant type: Deletion.
Identifiers: ClinVar variation 3243753 (VCV003243753.1).